The following is an entry in ClinVar:

NM_001267550.2(TTN):c.97084G>T (p.Ala32362Ser)

Genes: TTN (titin; minus strand), TTN-AS1 (TTN antisense RNA 1; plus strand). Cytogenetic location: 2q31.2.
Variant type: single nucleotide variant.
Coding change: c.97084G>T on transcript NM_001267550.2 (MANE Select); coding-DNA position 97084, G replaced by T.
Protein change: p.Ala32362Ser; replaces alanine 32362 with serine.
Molecular consequence: missense variant.
Genome position (GRCh38, 1-based): chr2:178,542,770, C>A on the plus strand (G>T on the coding strand, the complement: TTN is on the minus strand). VCF-style: chr2-178542770-C-A. GRCh37 (hg19) VCF-style: chr2-179407497-C-A.
Other names: c.92161G>T, p.Ala30721Ser (NM_001256850.1); c.69889G>T, p.Ala23297Ser (NM_003319.4); c.89380G>T, p.Ala29794Ser (NM_133378.4); c.70264G>T, p.Ala23422Ser (NM_133432.3); c.70465G>T, p.Ala23489Ser (NM_133437.4); short protein forms A23297S, A23422S, A23489S, A29794S, A30721S, A32362S.
Identifiers: ClinVar variation 1302723 (VCV001302723.2), dbSNP rs878877726, ClinGen allele CA60969247.

ClinVar aggregate classification (germline): Uncertain significance (1 of 4 stars; one submission).

Allele frequency attached by ClinVar (database versions not stated): TOPMed 0.00001.

Submission:

GeneDx
Classification: Uncertain significance. Last evaluated: 2019-07-02. Review status: criteria provided, single submitter. Criteria: GeneDx Variant Classification Process June 2021. Collection method: clinical testing. Allele origin: germline. Affected: yes.
Comment: This variant is associated with the following publications: (PMID: 27321809)